The following is an entry in ClinVar:

NM_002470.4(MYH3):c.2531_2532inv (p.Ala844Val)

Gene: MYH3 (myosin heavy chain 3; minus strand). Cytogenetic location: 17p13.1.
Variant type: Inversion.
Coding change: c.2531_2532inv on transcript NM_002470.4 (MANE Select).
Protein change: p.Ala844Val; replaces alanine 844 with valine.
Molecular consequence: missense variant.
Genome position: GRCh38 VCF-style: chr17-10640146-TG-CA. GRCh37 (hg19) VCF-style: chr17-10543463-TG-CA.
Other names: short protein forms A844V.
Identifiers: ClinVar variation 2067942 (VCV002067942.4), ClinGen allele CA2580092599.

ClinVar aggregate classification (germline): Uncertain significance (1 of 4 stars; one submission).

Submission:

Labcorp Genetics (formerly Invitae), Labcorp
Classification: Uncertain significance. Last evaluated: 2025-04-10. Review status: criteria provided, single submitter. Criteria: Invitae Variant Classification Sherloc (09022015). Collection method: clinical testing. Allele origin: germline.
Comment: This sequence change replaces alanine, which is neutral and non-polar, with valine, which is neutral and non-polar, at codon 844 of the MYH3 protein (p.Ala844Val). The frequency data for this variant in the population databases is considered unreliable, as metrics indicate poor data quality at this position in the gnomAD database. This variant has not been reported in the literature in individuals affected with MYH3-related conditions. ClinVar contains an entry for this variant (Variation ID: 2067942). An algorithm developed to predict the effect of missense changes on protein structure and function (PolyPhen-2) suggests that this variant is likely to be tolerated. In summary, the available evidence is currently insufficient to determine the role of this variant in disease. Therefore, it has been classified as a Variant of Uncertain Significance.